The following is an entry in ClinVar:

NM_004360.5(CDH1):c.125C>T (p.Pro42Leu)

Gene: CDH1 (cadherin 1; plus strand). Cytogenetic location: 16q22.1.
Variant type: single nucleotide variant.
Coding change: c.125C>T on transcript NM_004360.5 (MANE Select); coding-DNA position 125, C replaced by T.
Protein change: p.Pro42Leu; replaces proline 42 with leucine.
Molecular consequence: missense variant. On other transcripts: 5 prime UTR variant (2).
Genome position (GRCh38, 1-based): chr16:68,738,373, C>T. VCF-style: chr16-68738373-C-T. GRCh37 (hg19) VCF-style: chr16-68772276-C-T.
Other names: NM_004360.5(CDH1):c.125C>T; c.125C>T (LRG_301t1); c.125C>T, p.Pro42Leu (NM_001317184.2); c.-1491C>T (NM_001317185.2); c.-1695C>T (NM_001317186.2); short protein forms P42L.
Identifiers: ClinVar variation 231745 (VCV000231745.29), dbSNP rs876659333, ClinGen allele CA10580073.

ClinVar aggregate classification (germline): Likely benign. Review status: reviewed by expert panel (3 of 4 stars). 8 submissions from 8 submitters: Likely benign (1). 7 of the submissions do not count toward it. Last evaluated 2023-08-02.

Conditions:
Hereditary cancer-predisposing syndrome. Also called: Hereditary Cancer Syndrome; Neoplastic Syndromes, Hereditary; Tumor predisposition; Hereditary neoplastic syndrome. Identifiers: Orphanet 140162, MedGen C0027672, MeSH D009386, MONDO:0015356.
Familial cancer of breast. Also called: Hereditary breast cancer; hereditary breast carcinoma; BREAST CANCER, FAMILIAL. Identifiers: Orphanet 227535, MedGen C0346153, MONDO:0016419, OMIM 114480. Disease mechanism: loss of function.
Ovarian cancer. Also called: OVARIAN CANCER, SOMATIC. Identifiers: Orphanet 213500, MedGen C1140680, MONDO:0008170, OMIM 167000.
CDH1-related diffuse gastric and lobular breast cancer syndrome. Also called: CDH1-related diffuse gastric and lobular breast cancer. Identifiers: MedGen CN311521, MONDO:0100488.
Hereditary diffuse gastric adenocarcinoma (HDGC). Also called: DIFFUSE GASTRIC AND LOBULAR BREAST CANCER SYNDROME. Identifiers: Orphanet 26106, MedGen C1708349, MONDO:0007648, OMIM 137215.

Allele frequency attached by ClinVar (database versions not stated): gnomAD 0.00001; TOPMed 0.00002.

Submissions (8):

Clingen Gastric Cancer Variant Curation Expert Panel
Classification: Likely benign for CDH1-related diffuse gastric and lobular breast cancer syndrome. Last evaluated: 2023-08-02. Review status: reviewed by expert panel. Criteria: ClinGen CDH1 ACMG Specifications V3.1. Collection method: curation. Allele origin: germline. Inheritance: Autosomal dominant inheritance.
Comment: The c.125C>T (NM_004360.5) variant in CDH1 is a missense variant predicted to cause substitution of Pro by Leu at amino acid 42 (p.Pro42Leu). This variant has been observed in more than 10 heterozygous individuals with no DGC, SRC tumours and whose families do not suggest HDGC (BS2; GeneDx, Invitae, Color). In summary, the CDH1 VCEP classified the variant as likely benign for DGLBCS based on BS2 alone based on the ACMG/AMP criteria applied, as specified by the ClinGen CDH1 VCEP: BS2. (CDH1 VCEP specifications version 3.1; 04/24/2023)

Quest Diagnostics Nichols Institute San Juan Capistrano
Classification: Uncertain significance. Last evaluated: 2025-08-14. Review status: criteria provided, single submitter. Criteria: Quest Diagnostics criteria. Collection method: clinical testing. Allele origin: unknown. Not counted in ClinVar's aggregate classification.
Comment: The CDH1 c.125C>T (p.Pro42Leu) variant has been reported in the published literature in an individual meeting the clinical criteria for Lynch syndrome (PMID: 30256826 (2018)). In a large-scale breast cancer association study, this variant has been observed in a breast cancer case (PMID: 33471991 (2021), see also LOVD). The frequency of this variant in the general population (Genome Aggregation Database) is uninformative in the assessment of its pathogenicity. Analysis of this variant using bioinformatics tools for the prediction of the effect of amino acid changes on protein structure and function yielded conflicting predictions that this variant is benign or damaging. Based on the available information, we are unable to determine the clinical significance of this variant.

Labcorp Genetics (formerly Invitae), Labcorp
Classification: Uncertain significance for Hereditary diffuse gastric adenocarcinoma. Last evaluated: 2025-01-26. Review status: criteria provided, single submitter. Criteria: Invitae Variant Classification Sherloc (09022015). Collection method: clinical testing. Allele origin: germline. Not counted in ClinVar's aggregate classification.
Comment: This sequence change replaces proline, which is neutral and non-polar, with leucine, which is neutral and non-polar, at codon 42 of the CDH1 protein (p.Pro42Leu). This variant is not present in population databases (gnomAD no frequency). This variant has not been reported in the literature in individuals affected with CDH1-related conditions. ClinVar contains an entry for this variant (Variation ID: 231745). An algorithm developed to predict the effect of missense changes on protein structure and function (PolyPhen-2) suggests that this variant¬†is likely to be tolerated. In summary, the available evidence is currently insufficient to determine the role of this variant in disease. Therefore, it has been classified as a Variant of Uncertain Significance.

Color Diagnostics, LLC DBA Color Health
Classification: Uncertain significance for Hereditary cancer-predisposing syndrome. Last evaluated: 2024-02-20. Review status: criteria provided, single submitter. Criteria: ACMG Guidelines, 2015. Collection method: clinical testing. Allele origin: germline. Not counted in ClinVar's aggregate classification.
Comment: This missense variant replaces proline with leucine at codon 42 of the CDH1 protein. To our knowledge, functional studies have not been reported for this variant. This variant has not been reported in individuals affected with CDH1-related disorders in the literature. This variant has been reported in an individual meeting clinical criteria for Lynch Syndrome in the literature (PMID: 30256826). This variant has not been identified in the general population by the Genome Aggregation Database (gnomAD). The available evidence is insufficient to determine the role of this variant in disease conclusively. Therefore, this variant is classified as a Variant of Uncertain Significance.

Ambry Genetics
Classification: Likely benign for Hereditary cancer-predisposing syndrome. Last evaluated: 2024-02-14. Review status: criteria provided, single submitter. Criteria: Ambry Variant Classification Scheme 2023. Collection method: clinical testing. Allele origin: germline. Not counted in ClinVar's aggregate classification.

Department of Pathology and Laboratory Medicine, Sinai Health System
Classification: Uncertain significance for Familial cancer of breast; Ovarian cancer. Last evaluated: 2023-08-01. Review status: criteria provided, single submitter. Criteria: ACMG Guidelines, 2015. Collection method: clinical testing. Allele origin: germline. Affected: yes. Not counted in ClinVar's aggregate classification.

Baylor Genetics
Classification: Uncertain significance for Familial cancer of breast. Last evaluated: 2023-07-18. Review status: criteria provided, single submitter. Criteria: ACMG Guidelines, 2015. Collection method: clinical testing. Allele origin: unknown. Not counted in ClinVar's aggregate classification.

Mayo Clinic Laboratories, Mayo Clinic
Classification: Uncertain significance. Last evaluated: 2019-12-16. Review status: criteria provided, single submitter. Criteria: ACMG Guidelines, 2015. Collection method: clinical testing. Allele origin: germline. Observed: 1 variant allele. Not counted in ClinVar's aggregate classification.

Literature cited by the submitters: PubMed 33471991 (cited by Quest Diagnostics Nichols Institute San Juan Capistrano); PubMed 30256826 (cited by 4 submitters).